The following is an entry in ClinVar:

ClinVar aggregate classification (germline): Uncertain significance (1 of 4 stars; one submission).

Conditions:
Familial temporal lobe epilepsy 7. Identifiers: Orphanet 101046, MedGen C4225327, MONDO:0014639, OMIM 616436.
Norman-Roberts syndrome (LIS2). Also called: Lissencephaly 2 (Norman-Roberts type). Identifiers: Orphanet 89844, MedGen C0796089, MONDO:0009760, OMIM 257320.

Submission:

Labcorp Genetics (formerly Invitae), Labcorp
Classification: Uncertain significance for Familial temporal lobe epilepsy 7; Norman-Roberts syndrome. Last evaluated: 2023-06-09. Review status: criteria provided, single submitter. Criteria: Invitae Variant Classification Sherloc (09022015). Collection method: clinical testing. Allele origin: germline.
Comment: In summary, the available evidence is currently insufficient to determine the role of this variant in disease. Therefore, it has been classified as a Variant of Uncertain Significance. Advanced modeling of protein sequence and biophysical properties (such as structural, functional, and spatial information, amino acid conservation, physicochemical variation, residue mobility, and thermodynamic stability) performed at Invitae indicates that this missense variant is not expected to disrupt RELN protein function. ClinVar contains an entry for this variant (Variation ID: 1016151). This variant has not been reported in the literature in individuals affected with RELN-related conditions. This variant is not present in population databases (gnomAD no frequency). This sequence change replaces phenylalanine, which is neutral and non-polar, with serine, which is neutral and polar, at codon 3273 of the RELN protein (p.Phe3273Ser).

NM_005045.4(RELN):c.9818T>C (p.Phe3273Ser)

Genes: RELN (reelin; minus strand), SLC26A5-AS1 (SLC26A5 antisense RNA 1; plus strand). Cytogenetic location: 7q22.1.
Variant type: single nucleotide variant.
Coding change: c.9818T>C on transcript NM_005045.4 (MANE Select); coding-DNA position 9818, T replaced by C.
Protein change: p.Phe3273Ser; replaces phenylalanine 3273 with serine.
Molecular consequence: missense variant.
Genome position (GRCh38, 1-based): chr7:103,486,362, A>G on the plus strand (T>C on the coding strand, the complement: RELN is on the minus strand). VCF-style: chr7-103486362-A-G. GRCh37 (hg19) VCF-style: chr7-103126809-A-G.
Other names: c.9818T>C, p.Phe3273Ser (NM_173054.3); short protein forms F3273S.
Identifiers: ClinVar variation 1016151 (VCV001016151.8), dbSNP rs1828440525, ClinGen allele CA368742019.